The following is an entry in ClinVar:

ClinVar aggregate classification (germline): Pathogenic. Review status: criteria provided, single submitter (1 of 4 stars). 3 submissions from 3 submitters: Pathogenic (1). 2 of the submissions do not count toward it. Last evaluated 2025-09-01.

Conditions:
Abnormal heart morphology. Also called: Abnormality of cardiac morphology; Heart, malformation of. Identifiers: MedGen C0018798, MeSH D006330, HP:0001627.
Intellectual developmental disorder, X-linked, syndromic 33. Also called: X-linked intellectual disability-global development delay-facial dysmorphism-sacral caudal remnant syndrome; Intellectual disability, X-linked, syndromic 33. Identifiers: Orphanet 480907, MedGen C4225418, MONDO:0010500, OMIM 300966.

Submissions (3):

GeneDx
Classification: Pathogenic. Last evaluated: 2025-09-01. Review status: criteria provided, single submitter. Criteria: GeneDx Variant Classification Process June 2021. Collection method: clinical testing. Allele origin: germline. Affected: yes.
Comment: Not observed at significant frequency in large population cohorts (gnomAD); In silico analysis supports that this missense variant has a deleterious effect on protein structure/function; This variant is associated with the following publications: (PMID: 31646703, 33504798, 35982159, 32396742, 39323550, 33057194)

Yale Center for Mendelian Genomics, Yale University
Classification: association for Abnormal heart morphology. Last evaluated: 2020-06-13. Review status: no assertion criteria provided. Collection method: literature only. Allele origin: de novo. Affected: yes. Observed: 1 heterozygote. Study: Yale Center for Mendelian Genomics. Not counted in ClinVar's aggregate classification.

Genome Medicine, Institute for Basic Research in Developmental Disabilities
Classification: Likely pathogenic for Intellectual developmental disorder, X-linked, syndromic 33. Last evaluated: 2019-09-23. Review status: no assertion criteria provided. Collection method: clinical testing. Allele origin: de novo. Affected: yes. Not counted in ClinVar's aggregate classification.

Literature cited by the submitters: PubMed 32396742 (cited by Yale Center for Mendelian Genomics, Yale University).

NM_004606.5(TAF1):c.2975C>T (p.Thr992Ile)

Gene: TAF1 (TATA-box binding protein associated factor 1; plus strand). Cytogenetic location: Xq13.1.
Variant type: single nucleotide variant.
Coding change: c.2975C>T on transcript NM_004606.5 (MANE Select); coding-DNA position 2975, C replaced by T.
Protein change: p.Thr992Ile; replaces threonine 992 with isoleucine.
Molecular consequence: missense variant. On other transcripts: non-coding transcript variant (9).
Genome position (GRCh38, 1-based): chrX:71,392,918, C>T. VCF-style: chrX-71392918-C-T. GRCh37 (hg19) VCF-style: chrX-70612768-C-T.
Other names: c.2975C>T, p.Thr992Ile (NM_001286074.2); c.2912C>T, p.Thr971Ile (NM_138923.4); short protein forms T1012I, T992I, T971I.
Identifiers: ClinVar variation 694247 (VCV000694247.4), dbSNP rs1602520317, ClinGen allele CA413525619.